The following is an entry in ClinVar:

NM_000090.4(COL3A1):c.3526-1G>A

Gene: COL3A1 (collagen type III alpha 1 chain; plus strand). Cytogenetic location: 2q32.2.
Variant type: single nucleotide variant.
Coding change: c.3526-1G>A on transcript NM_000090.4 (MANE Select); the canonical splice acceptor site of the intron before coding-DNA position 3526, G replaced by A.
Molecular consequence: splice acceptor variant.
Genome position (GRCh38, 1-based): chr2:189,008,923, G>A. VCF-style: chr2-189008923-G-A. GRCh37 (hg19) VCF-style: chr2-189873649-G-A.
Identifiers: ClinVar variation 4795217 (VCV004795217.1).

ClinVar aggregate classification (germline): Likely pathogenic (1 of 4 stars; one submission).

Conditions:
Ehlers-Danlos syndrome, type 4 (EDSVASC). Also called: Ehlers-Danlos syndrome vascular type; Ehlers Danlos syndrome, ecchymotic type; Ehlers Danlos syndrome, arterial type; Ehlers Danlos syndrome, Sack-Barabas type; Ehlers-Danlos Syndrome Type IV. Identifiers: Orphanet 286, MedGen C0268338, MONDO:0017314, OMIM 130050.

Submission:

Petrovsky National Research Centre of Surgery, The Federal Agency for Scientific Organizations
Classification: Likely pathogenic for Ehlers-Danlos syndrome, type 4. Last evaluated: 2025-12-08. Review status: criteria provided, single submitter. Criteria: ACMG Guidelines, 2015. Collection method: clinical testing. Allele origin: germline. Inheritance: Autosomal dominant inheritance. Affected: yes. Observed: 1 heterozygote.
Comment: The variant NM_000090.4:c.3526-1G>A in the COL3A1 gene is absent in The Genome Aggregation Database (gnomAD) v2.1.1 and v4.1.0 (Date of access with 28-10-2025). According to AutoPVS1, mRNA carrying this variant, will be processed through nonsense-mediated decay mechanism, leading to haploinsufficiency. Loss-of-function variants in COL3A1 are known to be pathogenic (PMID: 24922459). We assume that this variant could be classified as Likely Pathogenic.

Literature cited by the submitters: PubMed 24922459.